The following is an entry in ClinVar:

ClinVar aggregate classification (germline): Conflicting classifications of pathogenicity. Review status: criteria provided, conflicting classifications (1 of 4 stars). 2 submissions from 2 submitters: Uncertain significance (1); Likely benign (1). Last evaluated 2025-10-01.

Conditions:
Inborn genetic diseases. Identifiers: MedGen C0950123, MeSH D030342.
Cranioectodermal dysplasia 1 (CED1). Also called: LEVIN SYNDROME I. Identifiers: Orphanet 1515, MedGen C0432235, MONDO:0021093, OMIM 218330.

Allele frequency attached by ClinVar (database versions not stated): gnomAD exomes below 0.00001; TOPMed below 0.00001.
gnomAD v4.1: 1 of 1,614,216 alleles (0.000062%); highest among the groups gnomAD compares: South Asian, 0.0011%; no homozygotes.

Submissions (2):

Labcorp Genetics (formerly Invitae), Labcorp
Classification: Uncertain significance for Cranioectodermal dysplasia 1. Last evaluated: 2025-10-01. Review status: criteria provided, single submitter. Criteria: Invitae Variant Classification Sherloc (09022015). Collection method: clinical testing. Allele origin: germline.
Comment: This sequence change replaces lysine, which is basic and polar, with arginine, which is basic and polar, at codon 682 of the IFT122 protein (p.Lys682Arg). This variant is not present in population databases (gnomAD no frequency). This variant has not been reported in the literature in individuals affected with IFT122-related conditions. ClinVar contains an entry for this variant (Variation ID: 2185245). Invitae Evidence Modeling of protein sequence and biophysical properties (such as structural, functional, and spatial information, amino acid conservation, physicochemical variation, residue mobility, and thermodynamic stability) indicates that this missense variant is not expected to disrupt IFT122 protein function with a negative predictive value of 80%. In summary, the available evidence is currently insufficient to determine the role of this variant in disease. Therefore, it has been classified as a Variant of Uncertain Significance.

Ambry Genetics
Classification: Likely benign for Inborn genetic diseases. Last evaluated: 2025-05-28. Review status: criteria provided, single submitter. Criteria: Ambry Variant Classification Scheme 2023. Collection method: clinical testing. Allele origin: germline.

NM_052989.3(IFT122):c.1892A>G (p.Lys631Arg)

Gene: IFT122 (intraflagellar transport 122; plus strand). Cytogenetic location: 3q21.3.
Variant type: single nucleotide variant.
Coding change: c.1892A>G on transcript NM_052989.3 (MANE Select); coding-DNA position 1892, A replaced by G.
Protein change: p.Lys631Arg; replaces lysine 631 with arginine.
Molecular consequence: missense variant.
Genome position (GRCh38, 1-based): chr3:129,488,297, A>G. VCF-style: chr3-129488297-A-G. GRCh37 (hg19) VCF-style: chr3-129207140-A-G.
Other names: c.2045A>G (NM_052985.3, NM_052985.2); c.1868A>G, p.Lys623Arg (NM_001280541.2); c.1442A>G, p.Lys481Arg (NM_001280545.2); c.1265A>G, p.Lys422Arg (NM_001280546.2); c.1892A>G, p.Lys631Arg (NM_001410808.1, NM_001410809.1); c.1715A>G, p.Lys572Arg (NM_001410810.1, NM_001410811.1, NM_001410813.1 and 1 more transcripts); c.1559A>G, p.Lys520Arg (NM_001410815.1, NM_001410817.1, NM_052990.3); c.2045A>G, p.Lys682Arg (NM_052985.4); short protein forms K422R, K631R, K572R, K481R, K520R, K623R, K682R.
Identifiers: ClinVar variation 2185245 (VCV002185245.6), dbSNP rs2079566319, ClinGen allele CA354478215.